The following is an entry in ClinVar:

NM_000152.5(GAA):c.2331+84C>G

Gene: GAA (alpha glucosidase; plus strand). Cytogenetic location: 17q25.3.
Variant type: single nucleotide variant.
Coding change: c.2331+84C>G on transcript NM_000152.5 (MANE Select); 84 bases into the intron after coding-DNA position 2331, C replaced by G.
Molecular consequence: intron variant.
Genome position (GRCh38, 1-based): chr17:80,117,193, C>G. VCF-style: chr17-80117193-C-G. GRCh37 (hg19) VCF-style: chr17-78090992-C-G.
Other names: c.2331+84C>G (NM_001079803.3, NM_001079804.3).
Identifiers: ClinVar variation 1181348 (VCV001181348.3), dbSNP rs185905012, ClinGen allele CA294856815.

ClinVar aggregate classification (germline): Conflicting classifications of pathogenicity. Review status: criteria provided, conflicting classifications (1 of 4 stars). 2 submissions from 2 submitters: Uncertain significance (1); Likely benign (1). Last evaluated 2021-08-13.

Allele frequency attached by ClinVar (database versions not stated): gnomAD 0.00034 and 0.00036; 1000 Genomes Project 0.00040; TOPMed 0.00041; 1000 Genomes Project 30x 0.00047; gnomAD exomes 0.00054.
gnomAD v4.1: 762 of 1,471,650 alleles (0.052%); highest among the groups gnomAD compares: Non-Finnish European, 0.067%; 1 homozygote.

Submissions (2):

AiLife Diagnostics
Classification: Uncertain significance. Last evaluated: 2021-08-13. Review status: criteria provided, single submitter. Criteria: ACMG Guidelines, 2015. Collection method: clinical testing. Allele origin: germline. Affected: yes. Observed: 1 variant allele.

GeneDx
Classification: Likely benign. Last evaluated: 2020-04-09. Review status: criteria provided, single submitter. Criteria: GeneDx Variant Classification Process June 2021. Collection method: clinical testing. Allele origin: germline. Affected: yes.
Comment: Has not been previously published as pathogenic or benign to our knowledge; Nucleotide substitution has no predicted effect on splicing and is not conserved across species